The following is an entry in ClinVar:

NM_001145809.2(MYH14):c.548G>A (p.Arg183Gln)

Gene: MYH14 (myosin heavy chain 14; plus strand). Cytogenetic location: 19q13.33.
Variant type: single nucleotide variant.
Coding change: c.548G>A on transcript NM_001145809.2 (MANE Select); coding-DNA position 548, G replaced by A.
Protein change: p.Arg183Gln; replaces arginine 183 with glutamine.
Molecular consequence: missense variant.
Genome position (GRCh38, 1-based): chr19:50,217,757, G>A. VCF-style: chr19-50217757-G-A. GRCh37 (hg19) VCF-style: chr19-50721014-G-A.
Other names: c.548G>A, p.Arg183Gln (NM_001077186.2, NM_024729.4); short protein forms R183Q.
Identifiers: ClinVar variation 1162846 (VCV001162846.11), dbSNP rs750639438, ClinGen allele CA9592286.

ClinVar aggregate classification (germline): Uncertain significance. Review status: criteria provided, multiple submitters, no conflicts (2 of 4 stars). 3 submissions from 3 submitters: Uncertain significance (3). Last evaluated 2023-10-20.

Allele frequency attached by ClinVar (database versions not stated): ExAC 0.00001; gnomAD exomes 0.00001; TOPMed 0.00001; gnomAD 0.00003.
gnomAD v4.1: 20 of 1,613,556 alleles (0.0012%); highest among the groups gnomAD compares: Admixed American, 0.0033%; no homozygotes.

Submissions (3):

Labcorp Genetics (formerly Invitae), Labcorp
Classification: Uncertain significance. Last evaluated: 2023-10-20. Review status: criteria provided, single submitter. Criteria: Invitae Variant Classification Sherloc (09022015). Collection method: clinical testing. Allele origin: germline.
Comment: This sequence change replaces arginine, which is basic and polar, with glutamine, which is neutral and polar, at codon 183 of the MYH14 protein (p.Arg183Gln). This variant is present in population databases (rs750639438, gnomAD 0.003%). This variant has not been reported in the literature in individuals affected with MYH14-related conditions. ClinVar contains an entry for this variant (Variation ID: 1162846). Advanced modeling of protein sequence and biophysical properties (such as structural, functional, and spatial information, amino acid conservation, physicochemical variation, residue mobility, and thermodynamic stability) performed at Invitae indicates that this missense variant is expected to disrupt MYH14 protein function with a positive predictive value of 80%. In summary, the available evidence is currently insufficient to determine the role of this variant in disease. Therefore, it has been classified as a Variant of Uncertain Significance.

GeneDx
Classification: Uncertain significance. Last evaluated: 2023-03-17. Review status: criteria provided, single submitter. Criteria: GeneDx Variant Classification Process June 2021. Collection method: clinical testing. Allele origin: germline. Affected: yes.
Comment: In silico analysis, which includes protein predictors and evolutionary conservation, supports a deleterious effect; Has not been previously published as pathogenic or benign to our knowledge

Mayo Clinic Laboratories, Mayo Clinic
Classification: Uncertain significance. Last evaluated: 2020-05-28. Review status: criteria provided, single submitter. Criteria: ACMG Guidelines, 2015. Collection method: clinical testing. Allele origin: germline. Observed: 1 variant allele.